The following is an entry in ClinVar:

NM_004380.3(CREBBP):c.3605G>A (p.Arg1202His)

Gene: CREBBP (CREB binding lysine acetyltransferase; minus strand). Cytogenetic location: 16p13.3.
Variant type: single nucleotide variant.
Coding change: c.3605G>A on transcript NM_004380.3 (MANE Select); coding-DNA position 3605, G replaced by A.
Protein change: p.Arg1202His; replaces arginine 1202 with histidine.
Molecular consequence: missense variant.
Genome position (GRCh38, 1-based): chr16:3,757,813, C>T on the plus strand (G>A on the coding strand, the complement: CREBBP is on the minus strand). VCF-style: chr16-3757813-C-T. GRCh37 (hg19) VCF-style: chr16-3807814-C-T.
Other names: c.3491G>A, p.Arg1164His (NM_001079846.1); short protein forms R1164H, R1202H.
Identifiers: ClinVar variation 4986173 (VCV004986173.1).
Genomic context (GRCh38, chr16:3,757,813, plus strand): 5'-CCCTCTGGCTGGATTAACCAGGAAAATTCACTTTCCGGAAAAACTTAAAACTGTACCTTG[C>T]GTCCACAGCAATATCCAAGGGACTGCATGACAGGGTCAATTTCCTGCTCAAAGACCTCTG-3'
Protein context (NP_004371.2, residues 1192-1212): VMQSLGYCCG[Arg1202His]KYEFSPQTLC

ClinVar aggregate classification (germline): Uncertain significance (1 of 4 stars; one submission).

Conditions:
CREBBP-related disorder. Also called: CREBBP-related disorders; CREBBP-related condition.

gnomAD v4.1: 19 of 1,613,966 alleles (0.0012%); highest among the groups gnomAD compares: South Asian, 0.0055%; no homozygotes.

Submission:

PreventionGenetics, part of Exact Sciences
Classification: Uncertain significance for CREBBP-related condition. Last evaluated: 2025-10-28. Review status: criteria provided, single submitter. Criteria: ACMG Guidelines, 2015. Collection method: clinical testing. Allele origin: germline.
Comment: The CREBBP c.3605G>A variant is predicted to result in the amino acid substitution p.Arg1202His. To our knowledge, this variant has not been reported in the literature. This variant is reported in 0.016% of alleles in individuals of South Asian descent in gnomAD, which is likely too common to be a primary cause of disease. Although we suspect that this variant may be benign, at this time, the clinical significance of this variant is uncertain due to the absence of conclusive functional and genetic evidence.